The following is an entry in ClinVar:

ClinVar aggregate classification (germline): Uncertain significance (1 of 4 stars; one submission).

Submission:

Labcorp Genetics (formerly Invitae), Labcorp
Classification: Uncertain significance. Last evaluated: 2022-08-17. Review status: criteria provided, single submitter. Criteria: Invitae Variant Classification Sherloc (09022015). Collection method: clinical testing. Allele origin: germline.
Comment: This variant is not present in population databases (gnomAD no frequency). In summary, the available evidence is currently insufficient to determine the role of this variant in disease. Therefore, it has been classified as a Variant of Uncertain Significance. Algorithms developed to predict the effect of missense changes on protein structure and function (SIFT, PolyPhen-2, Align-GVGD) all suggest that this variant is likely to be disruptive. This variant has not been reported in the literature in individuals affected with MTMR14-related conditions. This sequence change replaces glutamic acid, which is acidic and polar, with aspartic acid, which is acidic and polar, at codon 93 of the MTMR14 protein (p.Glu93Asp).

NM_001077525.3(MTMR14):c.279G>T (p.Glu93Asp)

Gene: MTMR14 (myotubularin related protein 14; plus strand). Cytogenetic location: 3p25.3.
Variant type: single nucleotide variant.
Coding change: c.279G>T on transcript NM_001077525.3 (MANE Select); coding-DNA position 279, G replaced by T.
Protein change: p.Glu93Asp; replaces glutamic acid 93 with aspartic acid.
Molecular consequence: missense variant. On other transcripts: 5 prime UTR variant (14), non-coding transcript variant (8), intron variant (6).
Genome position (GRCh38, 1-based): chr3:9,653,740, G>T. VCF-style: chr3-9653740-G-T. GRCh37 (hg19) VCF-style: chr3-9695424-G-T.
Other names: c.279G>T, p.Glu93Asp (NM_001077526.3, NM_001400519.1, NM_001400520.1 and 9 more transcripts); c.348G>T, p.Glu116Asp (NM_001400518.1, NM_001400521.1, NM_001400526.1); c.-227G>T (NM_001400533.1, NM_001400539.1, NM_001400545.1); c.-288G>T (NM_001400534.1, NM_001400538.1, NM_001400541.1 and 3 more transcripts); c.-255G>T (NM_001400540.1); c.-300G>T (NM_001400544.1); c.-437G>T (NM_001400547.1); c.-361G>T (NM_001400548.1); and 4 more; short protein forms E116D, E93D.
Identifiers: ClinVar variation 2024506 (VCV002024506.4), dbSNP rs2470173302, ClinGen allele CA351804211.